The following is an entry in ClinVar:

ClinVar aggregate classification (germline): Uncertain significance (1 of 4 stars; one submission).

Conditions:
Familial hemophagocytic lymphohistiocytosis 3 (FHL3). Also called: UNC13D-Related Familial Hemophagocytic Lymphohistiocytosis (UNC13D-fHLH). Identifiers: Orphanet 540, MedGen C1837174, MONDO:0012146, OMIM 608898.

Submission:

Labcorp Genetics (formerly Invitae), Labcorp
Classification: Uncertain significance for Familial hemophagocytic lymphohistiocytosis 3. Last evaluated: 2022-01-03. Review status: criteria provided, single submitter. Criteria: Invitae Variant Classification Sherloc (09022015). Collection method: clinical testing. Allele origin: germline.
Comment: This variant, c.634_657del, results in the deletion of 8 amino acid(s) of the UNC13D protein (p.Ser212_Glu219del), but otherwise preserves the integrity of the reading frame. This variant is present in population databases (rs752263804, gnomAD 0.002%). This variant has not been reported in the literature in individuals affected with UNC13D-related conditions. ClinVar contains an entry for this variant (Variation ID: 863861). Experimental studies and prediction algorithms are not available or were not evaluated, and the functional significance of this variant is currently unknown. In summary, the available evidence is currently insufficient to determine the role of this variant in disease. Therefore, it has been classified as a Variant of Uncertain Significance.

NM_199242.3(UNC13D):c.634_657del (p.Ser212_Glu219del)

Gene: UNC13D (unc-13 homolog D; minus strand). Cytogenetic location: 17q25.1.
Variant type: Deletion.
Coding change: c.634_657del on transcript NM_199242.3 (MANE Select); coding-DNA positions 634 to 657, 24 bases deleted (TCTGTCCGACAGAAGCTTGGGGAG).
Protein change: p.Ser212_Glu219del.
Molecular consequence: inframe deletion.
Genome position (GRCh38, 1-based): chr17:75,840,788-75,840,811, CTCCCCAAGCTTCTGTCGGACAGA deleted on the plus strand (TCTGTCCGACAGAAGCTTGGGGAG on the coding strand, the reverse complement: UNC13D is on the minus strand); deleting any 24 consecutive bases within chr17:75,840,788-75,840,815 gives the same sequence; the c. name uses the placement nearest the transcript's 3' end. VCF-style (leftmost placement, unchanged base first): chr17-75840787-GCTCCCCAAGCTTCTGTCGGACAGA-G. GRCh37 (hg19) VCF-style: chr17-73836868-GCTCCCCAAGCTTCTGTCGGACAGA-G.
Identifiers: ClinVar variation 863861 (VCV000863861.5), dbSNP rs752263804, ClinGen allele CA8773365.